The following is an entry in ClinVar:

ClinVar aggregate classification (germline): Uncertain significance (1 of 4 stars; one submission).

gnomAD v4.1: 20 of 1,614,070 alleles (0.0012%); highest among the groups gnomAD compares: Non-Finnish European, 0.0017%; no homozygotes.

Submission:

Labcorp Genetics (formerly Invitae), Labcorp
Classification: Uncertain significance. Last evaluated: 2024-06-06. Review status: criteria provided, single submitter. Criteria: Invitae Variant Classification Sherloc (09022015). Collection method: clinical testing. Allele origin: germline.
Comment: This sequence change replaces alanine, which is neutral and non-polar, with threonine, which is neutral and polar, at codon 112 of the SLCO5A1 protein (p.Ala112Thr). This variant is present in population databases (no rsID available, gnomAD 0.0009%). This variant has not been reported in the literature in individuals affected with SLCO5A1-related conditions. An algorithm developed to predict the effect of missense changes on protein structure and function (PolyPhen-2) suggests that this variant is likely to be tolerated. In summary, the available evidence is currently insufficient to determine the role of this variant in disease. Therefore, it has been classified as a Variant of Uncertain Significance.

NM_030958.3(SLCO5A1):c.334G>A (p.Ala112Thr)

Gene: SLCO5A1 (solute carrier organic anion transporter family member 5A1; minus strand). Cytogenetic location: 8q13.3.
Variant type: single nucleotide variant.
Coding change: c.334G>A on transcript NM_030958.3 (MANE Select); coding-DNA position 334, G replaced by A.
Protein change: p.Ala112Thr; replaces alanine 112 with threonine.
Molecular consequence: missense variant.
Genome position (GRCh38, 1-based): chr8:69,832,340, C>T on the plus strand (G>A on the coding strand, the complement: SLCO5A1 is on the minus strand). VCF-style: chr8-69832340-C-T. GRCh37 (hg19) VCF-style: chr8-70744575-C-T.
Other names: c.334G>A, p.Ala112Thr (NM_001146008.2, NM_001146009.1); short protein forms A112T.
Identifiers: ClinVar variation 3713529 (VCV003713529.2).